The following is an entry in ClinVar:

NM_004415.4(DSP):c.5544G>A (p.Arg1848=)

Gene: DSP (desmoplakin; plus strand). Cytogenetic location: 6p24.3.
Variant type: single nucleotide variant.
Coding change: c.5544G>A on transcript NM_004415.4 (MANE Select); coding-DNA position 5544, G replaced by A.
Protein change: p.Arg1848=; no amino-acid change (arginine 1848 retained).
Molecular consequence: synonymous variant.
Genome position (GRCh38, 1-based): chr6:7,582,806, G>A. VCF-style: chr6-7582806-G-A. GRCh37 (hg19) VCF-style: chr6-7583039-G-A.
Other names: c.3747G>A, p.Arg1249= (NM_001008844.3); c.4215G>A, p.Arg1405= (NM_001319034.2).
Identifiers: ClinVar variation 163280 (VCV000163280.20), dbSNP rs727503004, ClinGen allele CA006508.
Genomic context (GRCh38, chr6:7,582,806, plus strand): 5'-GCTGCAGAGGCTGGAGGATGAGCTGAATCGTGCAAAATCAACTCTAGAGGCAGAAACCAG[G>A]GTGAAACAGCGCCTGGAGTGTGAGAAACAGCAAATTCAGAATGACCTGAATCAGTGGAAG-3'
Protein context (NP_004406.2, residues 1838-1858): RAKSTLEAET[Arg1848=]VKQRLECEKQ

ClinVar aggregate classification (germline): Conflicting classifications of pathogenicity. Review status: criteria provided, conflicting classifications (1 of 4 stars). 8 submissions from 6 submitters: Uncertain significance (3); Likely benign (5). Last evaluated 2025-11-06.

Conditions:
Arrhythmogenic cardiomyopathy with wooly hair and keratoderma. Also called: Carvajal syndrome; Dilated cardiomyopathy with woolly hair and keratoderma; PALMOPLANTAR KERATODERMA WITH LEFT VENTRICULAR CARDIOMYOPATHY AND WOOLLY HAIR; Arrhythmogenic cardiomyopathy with woolly hair and keratoderma. Identifiers: Orphanet 65282, MedGen C1854063, MONDO:0011581, OMIM 605676.
Arrhythmogenic right ventricular dysplasia 8 (ARVD8). Also called: Arrhythmogenic Right Ventricular Dysplasia/Cardiomyopathy 8; ARRHYTHMOGENIC RIGHT VENTRICULAR DYSPLASIA, FAMILIAL, 8; ARRHYTHMOGENIC RIGHT VENTRICULAR CARDIOMYOPATHY 8. Identifiers: MedGen C1843896, MONDO:0011831, OMIM 607450.
Cardiomyopathy (CMYO). Also called: Cardiomyopathies. Identifiers: Orphanet 167848, MedGen C0878544, MONDO:0004994, HP:0001638. Inheritance: Various modes of inheritance.
Lethal acantholytic epidermolysis bullosa (EBLA). Identifiers: Orphanet 158687, MedGen C1864826, MONDO:0012323, OMIM 609638.
Woolly hair-skin fragility syndrome (WHSF). Identifiers: Orphanet 293165, MedGen C1843292, MONDO:0957307, OMIM 620415.

Allele frequency attached by ClinVar (database versions not stated): gnomAD exomes below 0.00001 and 0.00001; TOPMed 0.00002.
gnomAD v4.1: 12 of 1,613,968 alleles (0.00074%); highest among the groups gnomAD compares: African/African-American, 0.0027%; no homozygotes.

Submissions (8):

Labcorp Genetics (formerly Invitae), Labcorp
Classification: Likely benign for Arrhythmogenic cardiomyopathy with wooly hair and keratoderma; Arrhythmogenic right ventricular dysplasia 8. Last evaluated: 2025-11-06. Review status: criteria provided, single submitter. Criteria: Invitae Variant Classification Sherloc (09022015). Collection method: clinical testing. Allele origin: germline.

All of Us Research Program, National Institutes of Health
Classification: Likely benign for Arrhythmogenic cardiomyopathy with wooly hair and keratoderma. Last evaluated: 2023-11-30. Review status: criteria provided, single submitter. Criteria: ACMG Guidelines, 2015. Collection method: clinical testing. Allele origin: germline. Inheritance: Autosomal dominant inheritance. Observed: 5 variant alleles, 5 heterozygotes.
Comment: This study involves interpretation of variants in research participants for the purpose of population health screening. Participant phenotype was not available at the time of variant classification. Additional details can be found in publication PMID: 35346344, PMCID: PMC8962531

Blueprint Genetics
Classification: Likely benign. Last evaluated: 2023-10-31. Review status: criteria provided, single submitter. Criteria: ACMG Guidelines, 2015. Collection method: clinical testing. Allele origin: germline.

Color Diagnostics, LLC DBA Color Health
Classification: Likely benign for Cardiomyopathy. Last evaluated: 2019-12-16. Review status: criteria provided, single submitter. Criteria: ACMG Guidelines, 2015. Collection method: clinical testing. Allele origin: germline.

Illumina Laboratory Services, Illumina
Classification: Uncertain significance for Arrhythmogenic right ventricular dysplasia 8. Last evaluated: 2018-01-12. Review status: criteria provided, single submitter. Criteria: ICSL Variant Classification Criteria 13 December 2019. Collection method: clinical testing. Allele origin: germline.

Illumina Laboratory Services, Illumina
Classification: Uncertain significance for Arrhythmogenic cardiomyopathy with wooly hair and keratoderma. Last evaluated: 2018-01-12. Review status: criteria provided, single submitter. Criteria: ICSL Variant Classification Criteria 13 December 2019. Collection method: clinical testing. Allele origin: germline.

Illumina Laboratory Services, Illumina
Classification: Uncertain significance for Lethal acantholytic epidermolysis bullosa. Last evaluated: 2018-01-12. Review status: criteria provided, single submitter. Criteria: ICSL Variant Classification Criteria 13 December 2019. Collection method: clinical testing. Allele origin: germline.

Laboratory for Molecular Medicine, Mass General Brigham Personalized Medicine
Classification: Likely benign. Last evaluated: 2013-10-04. Review status: criteria provided, single submitter. Criteria: LMM Criteria. Collection method: clinical testing. Allele origin: germline. Observed: 1 variant allele.
Comment: Arg1848Arg in Exon 24 of DSP: This variant is not expected to have clinical sign ificance because it does not alter an amino acid residue and is not located with in the splice consensus sequence.